The following is an entry in ClinVar:

ClinVar aggregate classification (germline): Likely pathogenic. Review status: criteria provided, multiple submitters, no conflicts (2 of 4 stars). 2 submissions from 2 submitters: Likely pathogenic (2). Last evaluated 2025-01-16.

Conditions:
Mitochondrial complex II deficiency, nuclear type 1. Also called: SUCCINATE CoQ REDUCTASE DEFICIENCY. Identifiers: Orphanet 3208, MedGen C5700310, MONDO:0100294, OMIM 252011.
Pheochromocytoma/paraganglioma syndrome 5. Also called: Paragangliomas 5; SDHA-Related Hereditary Paraganglioma-Pheochromocytoma Syndrome. Identifiers: Orphanet 29072, MedGen C3279992, MONDO:0013602, OMIM 614165.

Submissions (2):

Revvity Omics, Revvity
Classification: Likely pathogenic. Last evaluated: 2025-01-16. Review status: criteria provided, single submitter. Criteria: ACMG Guidelines, 2015. Collection method: clinical testing. Allele origin: germline.

Labcorp Genetics (formerly Invitae), Labcorp
Classification: Likely pathogenic for Pheochromocytoma/paraganglioma syndrome 5; Mitochondrial complex II deficiency, nuclear type 1. Last evaluated: 2024-11-21. Review status: criteria provided, single submitter. Criteria: Invitae Variant Classification Sherloc (09022015). Collection method: clinical testing. Allele origin: germline.
Comment: This sequence change affects an acceptor splice site in intron 12 of the SDHA gene. It is expected to disrupt RNA splicing. Variants that disrupt the donor or acceptor splice site typically lead to a loss of protein function (PMID: 16199547), and loss-of-function variants in SDHA are known to be pathogenic (PMID: 22974104, 24781757). This variant is not present in population databases (gnomAD no frequency). This variant has not been reported in the literature in individuals affected with SDHA-related conditions. Algorithms developed to predict the effect of sequence changes on RNA splicing suggest that this variant may disrupt the consensus splice site. In summary, the currently available evidence indicates that the variant is pathogenic, but additional data are needed to prove that conclusively. Therefore, this variant has been classified as Likely Pathogenic.

Literature cited by the submitters: PubMed 16199547 (cited by Labcorp Genetics (formerly Invitae), Labcorp); PubMed 22974104 (cited by Labcorp Genetics (formerly Invitae), Labcorp); PubMed 24781757 (cited by Labcorp Genetics (formerly Invitae), Labcorp).

NM_004168.4(SDHA):c.1664-1G>C

Gene: SDHA (succinate dehydrogenase complex flavoprotein subunit A; plus strand). Cytogenetic location: 5p15.33.
Variant type: single nucleotide variant.
Coding change: c.1664-1G>C on transcript NM_004168.4 (MANE Select); the canonical splice acceptor site of the intron before coding-DNA position 1664, G replaced by C.
Molecular consequence: splice acceptor variant. On other transcripts: intron variant (1).
Genome position (GRCh38, 1-based): chr5:251,337, G>C. VCF-style: chr5-251337-G-C. GRCh37 (hg19) VCF-style: chr5-251452-G-C.
Other names: c.1552-3056G>C (NM_001330758.2); c.1520-1G>C (NM_001294332.2).
Identifiers: ClinVar variation 3759844 (VCV003759844.3).